The following is an entry in ClinVar:

NM_000398.7(CYB5R3):c.871_879del (p.Val291_His293del)

Gene: CYB5R3 (cytochrome b5 reductase 3; minus strand). Cytogenetic location: 22q13.2.
Variant type: Deletion.
Coding change: c.871_879del on transcript NM_000398.7 (MANE Select); coding-DNA positions 871 to 879, 9 bases deleted (GTGGGCCAC; older notation c.871_879delGTGGGCCAC).
Protein change: p.Val291_His293del.
Molecular consequence: inframe deletion.
Genome position (GRCh38, 1-based): chr22:42,619,800-42,619,808, GTGGCCCAC deleted on the plus strand (GTGGGCCAC on the coding strand, the reverse complement: CYB5R3 is on the minus strand); deleting any 9 consecutive bases within chr22:42,619,800-42,619,812 gives the same sequence; the c. name uses the placement nearest the transcript's 3' end. VCF-style (leftmost placement, unchanged base first): chr22-42619799-GGTGGCCCAC-G. GRCh37 (hg19) VCF-style: chr22-43015805-GGTGGCCCAC-G.
Other names: c.802_810del, p.Val268_His270del (NM_001129819.2, NM_001171661.1, NM_007326.4); c.970_978del, p.Val324_His326del (NM_001171660.2).
Identifiers: ClinVar variation 1330752 (VCV001330752.8), dbSNP rs2146859537, ClinGen allele CA2573055028.

ClinVar aggregate classification (germline): Uncertain significance. Review status: criteria provided, multiple submitters, no conflicts (2 of 4 stars). 2 submissions from 2 submitters: Uncertain significance (2). Last evaluated 2025-07-30.

Submissions (2):

Labcorp Genetics (formerly Invitae), Labcorp
Classification: Uncertain significance. Last evaluated: 2025-07-30. Review status: criteria provided, single submitter. Criteria: Invitae Variant Classification Sherloc (09022015). Collection method: clinical testing. Allele origin: germline.
Comment: This variant, c.871_879del, results in the deletion of 3 amino acid(s) of the CYB5R3 protein (p.Val291_His293del), but otherwise preserves the integrity of the reading frame. This variant is not present in population databases (gnomAD no frequency). This variant has not been reported in the literature in individuals affected with CYB5R3-related conditions. ClinVar contains an entry for this variant (Variation ID: 1330752). Experimental studies and prediction algorithms are not available or were not evaluated, and the functional significance of this variant is currently unknown. In summary, the available evidence is currently insufficient to determine the role of this variant in disease. Therefore, it has been classified as a Variant of Uncertain Significance.

ARUP Laboratories, Molecular Genetics and Genomics, ARUP Laboratories
Classification: Uncertain significance. Last evaluated: 2020-10-29. Review status: criteria provided, single submitter. Criteria: ARUP Molecular Germline Variant Investigation Process 2021. Collection method: clinical testing. Allele origin: germline.